The following is an entry in ClinVar:

NM_032119.4(ADGRV1):c.2735-3C>T

Gene: ADGRV1 (adhesion G protein-coupled receptor V1; plus strand). Cytogenetic location: 5q14.3.
Variant type: single nucleotide variant.
Coding change: c.2735-3C>T on transcript NM_032119.4 (MANE Select); 3 bases into the intron before coding-DNA position 2735, C replaced by T.
Molecular consequence: intron variant.
Genome position (GRCh38, 1-based): chr5:90,644,703, C>T. VCF-style: chr5-90644703-C-T. GRCh37 (hg19) VCF-style: chr5-89940520-C-T.
Identifiers: ClinVar variation 3680601 (VCV003680601.2).
Genomic context (GRCh38, chr5:90,644,703, plus strand): 5'-TTACTCATCATTTTAAAAGTTTCGTATGTCTTCATATGTATTATGTATGTTTCCATTTCA[C>T]AGCTGTTTATGATGTAGTAAGAAATCGAGGCAACTTTGGTGATGTTAGTGTATCATGGGT-3'

ClinVar aggregate classification (germline): Uncertain significance (1 of 4 stars; one submission).

Submission:

Labcorp Genetics (formerly Invitae), Labcorp
Classification: Uncertain significance. Last evaluated: 2024-06-06. Review status: criteria provided, single submitter. Criteria: Invitae Variant Classification Sherloc (09022015). Collection method: clinical testing. Allele origin: germline.
Comment: This sequence change falls in intron 14 of the ADGRV1 gene. It does not directly change the encoded amino acid sequence of the ADGRV1 protein. It affects a nucleotide within the consensus splice site. This variant is not present in population databases (gnomAD no frequency). This variant has not been reported in the literature in individuals affected with ADGRV1-related conditions. Variants that disrupt the consensus splice site are a relatively common cause of aberrant splicing (PMID: 17576681, 9536098). Algorithms developed to predict the effect of sequence changes on RNA splicing suggest that this variant is not likely to affect RNA splicing. In summary, the available evidence is currently insufficient to determine the role of this variant in disease. Therefore, it has been classified as a Variant of Uncertain Significance.

Literature cited by the submitters: PubMed 17576681; PubMed 9536098.